The following is an entry in ClinVar:

ClinVar aggregate classification (germline): Uncertain significance (1 of 4 stars; one submission).

Conditions:
Dilated cardiomyopathy 1HH (CMD1HH). Identifiers: Orphanet 154, MedGen C3151293, MONDO:0013479, OMIM 613881.
Myofibrillar myopathy 6. Identifiers: Orphanet 199340, MedGen C2751831, MONDO:0013061, OMIM 612954.

gnomAD v4.1: 2 of 1,614,108 alleles (0.00012%); highest among the groups gnomAD compares: African/African-American, 0.0013%; no homozygotes.

Submission:

Labcorp Genetics (formerly Invitae), Labcorp
Classification: Uncertain significance for Dilated cardiomyopathy 1HH; Myofibrillar myopathy 6. Last evaluated: 2024-10-16. Review status: criteria provided, single submitter. Criteria: Invitae Variant Classification Sherloc (09022015). Collection method: clinical testing. Allele origin: germline.
Comment: This sequence change replaces threonine, which is neutral and polar, with proline, which is neutral and non-polar, at codon 307 of the BAG3 protein (p.Thr307Pro). This variant is not present in population databases (gnomAD no frequency). This variant has not been reported in the literature in individuals affected with BAG3-related conditions. Invitae Evidence Modeling of protein sequence and biophysical properties (such as structural, functional, and spatial information, amino acid conservation, physicochemical variation, residue mobility, and thermodynamic stability) indicates that this missense variant is not expected to disrupt BAG3 protein function with a negative predictive value of 80%. In summary, the available evidence is currently insufficient to determine the role of this variant in disease. Therefore, it has been classified as a Variant of Uncertain Significance.

NM_004281.4(BAG3):c.919A>C (p.Thr307Pro)

Gene: BAG3 (BAG cochaperone 3; plus strand). Cytogenetic location: 10q26.11.
Variant type: single nucleotide variant.
Coding change: c.919A>C on transcript NM_004281.4 (MANE Select); coding-DNA position 919, A replaced by C.
Protein change: p.Thr307Pro; replaces threonine 307 with proline.
Molecular consequence: missense variant.
Genome position (GRCh38, 1-based): chr10:119,676,473, A>C. VCF-style: chr10-119676473-A-C. GRCh37 (hg19) VCF-style: chr10-121435985-A-C.
Other names: short protein forms T307P.
Identifiers: ClinVar variation 3754374 (VCV003754374.2).